The following is an entry in ClinVar:

ClinVar aggregate classification (germline): Uncertain significance (1 of 4 stars; one submission).

Conditions:
Familial temporal lobe epilepsy 7. Identifiers: Orphanet 101046, MedGen C4225327, MONDO:0014639, OMIM 616436.
Norman-Roberts syndrome (LIS2). Also called: Lissencephaly 2 (Norman-Roberts type). Identifiers: Orphanet 89844, MedGen C0796089, MONDO:0009760, OMIM 257320.

Submission:

Labcorp Genetics (formerly Invitae), Labcorp
Classification: Uncertain significance for Familial temporal lobe epilepsy 7; Norman-Roberts syndrome. Last evaluated: 2024-07-05. Review status: criteria provided, single submitter. Criteria: Invitae Variant Classification Sherloc (09022015). Collection method: clinical testing. Allele origin: germline.
Comment: This sequence change replaces tyrosine, which is neutral and polar, with phenylalanine, which is neutral and non-polar, at codon 2476 of the RELN protein (p.Tyr2476Phe). This variant is not present in population databases (gnomAD no frequency). This variant has not been reported in the literature in individuals affected with RELN-related conditions. Advanced modeling of protein sequence and biophysical properties (such as structural, functional, and spatial information, amino acid conservation, physicochemical variation, residue mobility, and thermodynamic stability) performed at Invitae indicates that this missense variant is not expected to disrupt RELN protein function with a negative predictive value of 80%. In summary, the available evidence is currently insufficient to determine the role of this variant in disease. Therefore, it has been classified as a Variant of Uncertain Significance.

NM_005045.4(RELN):c.7427A>T (p.Tyr2476Phe)

Gene: RELN (reelin; minus strand). Cytogenetic location: 7q22.1.
Variant type: single nucleotide variant.
Coding change: c.7427A>T on transcript NM_005045.4 (MANE Select); coding-DNA position 7427, A replaced by T.
Protein change: p.Tyr2476Phe; replaces tyrosine 2476 with phenylalanine.
Molecular consequence: missense variant.
Genome position (GRCh38, 1-based): chr7:103,523,454, T>A on the plus strand (A>T on the coding strand, the complement: RELN is on the minus strand). VCF-style: chr7-103523454-T-A. GRCh37 (hg19) VCF-style: chr7-103163901-T-A.
Other names: c.7427A>T, p.Tyr2476Phe (NM_173054.3); short protein forms Y2476F.
Identifiers: ClinVar variation 3756920 (VCV003756920.2).